The following is an entry in ClinVar:

ClinVar aggregate classification (germline): Uncertain significance (1 of 4 stars; one submission).

Conditions:
Inborn genetic diseases. Identifiers: MedGen C0950123, MeSH D030342.

Submission:

Ambry Genetics
Classification: Uncertain significance for Inborn genetic diseases. Last evaluated: 2020-09-17. Review status: criteria provided, single submitter. Criteria: Ambry Variant Classification Scheme 2023. Collection method: clinical testing. Allele origin: germline.
Comment: The p.R651G variant (also known as c.1951C>G), located in coding exon 16 of the SHANK3 gene, results from a C to G substitution at nucleotide position 1951. The arginine at codon 651 is replaced by glycine, an amino acid with dissimilar properties. This amino acid position is highly conserved in available vertebrate species. Since supporting evidence is limited at this time, the clinical significance of this alteration remains unclear.

NM_001372044.2(SHANK3):c.2176C>G (p.Arg726Gly)

Gene: SHANK3 (SH3 and multiple ankyrin repeat domains 3; plus strand). Cytogenetic location: 22q13.33.
Variant type: single nucleotide variant.
Coding change: c.2176C>G on transcript NM_001372044.2 (MANE Select); coding-DNA position 2176, C replaced by G.
Protein change: p.Arg726Gly; replaces arginine 726 with glycine.
Molecular consequence: missense variant.
Genome position (GRCh38, 1-based): chr22:50,705,018, C>G. VCF-style: chr22-50705018-C-G. GRCh37 (hg19) VCF-style: chr22-51143446-C-G.
Other names: c.1951C>G, p.Arg651Gly (NM_033517.1); short protein forms R651G, R726G.
Identifiers: ClinVar variation 1783243 (VCV001783243.2), dbSNP rs1287380511, ClinGen allele CA515256828.
Genomic context (GRCh38, chr22:50,705,018, plus strand): 5'-TCCCAGGTGAACGGGGTGAACGTGGTGAAGGTCGGACACAAGCAGGTGGTGGCTCTGATT[C>G]GCCAGGGTGGCAACCGCCTCGTCATGAAGGTTGTGTCTGTGACAAGGAAGCCAGAAGAGG-3'
Protein context (NP_001358973.1, residues 716-736): VGHKQVVALI[Arg726Gly]QGGNRLVMKV